The following is an entry in ClinVar:

ClinVar aggregate classification (germline): Uncertain significance (1 of 4 stars; one submission).

Submission:

Labcorp Genetics (formerly Invitae), Labcorp
Classification: Uncertain significance. Last evaluated: 2025-06-29. Review status: criteria provided, single submitter. Criteria: Invitae Variant Classification Sherloc (09022015). Collection method: clinical testing. Allele origin: germline.
Comment: This sequence change replaces alanine, which is neutral and non-polar, with serine, which is neutral and polar, at codon 234 of the IRF2BP2 protein (p.Ala234Ser). This variant is not present in population databases (gnomAD no frequency). This variant has not been reported in the literature in individuals affected with IRF2BP2-related conditions. An algorithm developed to predict the effect of missense changes on protein structure and function outputs the following: PolyPhen-2: "Benign". The serine amino acid residue is found in multiple mammalian species, which suggests that this missense change does not adversely affect protein function. In summary, the available evidence is currently insufficient to determine the role of this variant in disease. Therefore, it has been classified as a Variant of Uncertain Significance.

NM_182972.3(IRF2BP2):c.700G>T (p.Ala234Ser)

Genes: IRF2BP2 (interferon regulatory factor 2 binding protein 2; minus strand), LOC129932811 (ATAC-STARR-seq lymphoblastoid silent region 1976; plus strand). Cytogenetic location: 1q42.3.
Variant type: single nucleotide variant.
Coding change: c.700G>T on transcript NM_182972.3 (MANE Select); coding-DNA position 700, G replaced by T.
Protein change: p.Ala234Ser; replaces alanine 234 with serine.
Molecular consequence: missense variant.
Genome position (GRCh38, 1-based): chr1:234,608,795, C>A on the plus strand (G>T on the coding strand, the complement: IRF2BP2 is on the minus strand). VCF-style: chr1-234608795-C-A. GRCh37 (hg19) VCF-style: chr1-234744541-C-A.
Other names: c.700G>T, p.Ala234Ser (NM_001077397.1); short protein forms A234S.
Identifiers: ClinVar variation 4780613 (VCV004780613.1).